The following is an entry in ClinVar:

NM_182961.4(SYNE1):c.6050+1G>A

Gene: SYNE1 (spectrin repeat containing nuclear envelope protein 1; minus strand). Cytogenetic location: 6q25.2.
Variant type: single nucleotide variant.
Coding change: c.6050+1G>A on transcript NM_182961.4 (MANE Select); the canonical splice donor site of the intron after coding-DNA position 6050, G replaced by A.
Molecular consequence: splice donor variant.
Genome position (GRCh38, 1-based): chr6:152,416,386, C>T on the plus strand (G>A on the coding strand, the complement: SYNE1 is on the minus strand). VCF-style: chr6-152416386-C-T. GRCh37 (hg19) VCF-style: chr6-152737521-C-T.
Other names: c.6071+1G>A (NM_033071.5).
Identifiers: ClinVar variation 2657030 (VCV002657030.24), dbSNP rs1261272739, ClinGen allele CA366131246.

ClinVar aggregate classification (germline): Pathogenic (1 of 4 stars; one submission).

gnomAD v4.1: 3 of 1,613,914 alleles (0.00019%); highest among the groups gnomAD compares: Non-Finnish European, 0.000085%; no homozygotes.

Submission:

CeGaT Center for Human Genetics Tuebingen
Classification: Pathogenic. Last evaluated: 2023-02-01. Review status: criteria provided, single submitter. Criteria: CeGaT Center For Human Genetics Tuebingen Variant Classification Criteria Version 2. Collection method: clinical testing. Allele origin: germline. Affected: yes. Observed: 1 variant allele.
Comment: SYNE1: PVS1, PM2